The following is an entry in ClinVar:

NM_014159.7(SETD2):c.2940T>G (p.Ser980=)

Gene: SETD2 (SET domain containing 2, histone lysine methyltransferase; minus strand). Cytogenetic location: 3p21.31.
Variant type: single nucleotide variant.
Coding change: c.2940T>G on transcript NM_014159.7 (MANE Select); coding-DNA position 2940, T replaced by G.
Protein change: p.Ser980=; no amino-acid change (serine 980 retained).
Molecular consequence: synonymous variant. On other transcripts: non-coding transcript variant (1).
Genome position (GRCh38, 1-based): chr3:47,121,696, A>C on the plus strand (T>G on the coding strand, the complement: SETD2 is on the minus strand). VCF-style: chr3-47121696-A-C. GRCh37 (hg19) VCF-style: chr3-47163186-A-C.
Other names: c.2808T>G, p.Ser936= (NM_001349370.3).
Identifiers: ClinVar variation 3388623 (VCV003388623.14).

ClinVar aggregate classification (germline): Likely benign (1 of 4 stars; one submission).

Submission:

CeGaT Center for Human Genetics Tuebingen
Classification: Likely benign. Last evaluated: 2024-11-01. Review status: criteria provided, single submitter. Criteria: CeGaT Center For Human Genetics Tuebingen Variant Classification Criteria Version 2. Collection method: clinical testing. Allele origin: germline. Affected: yes. Observed: 1 variant allele.
Comment: SETD2: PM2:Supporting, BP4, BP7